The following is an entry in ClinVar:

ClinVar aggregate classification (germline): Conflicting classifications of pathogenicity. Review status: criteria provided, conflicting classifications (1 of 4 stars). 7 submissions from 7 submitters: Uncertain significance (1); Likely benign (4). 2 of the submissions do not count toward it. Last evaluated 2026-01-15.

Conditions:
Primary ciliary dyskinesia 3. Identifiers: Orphanet 244, MedGen C1837618, MONDO:0012085, OMIM 608644.
DNAH5-related disorder. Also called: DNAH5-related condition.
Primary ciliary dyskinesia. Also called: Ciliary dyskinesia. Identifiers: Orphanet 244, MedGen C0008780, MONDO:0016575, HP:0012265.

Allele frequency attached by ClinVar (database versions not stated): ESP Exome Variant Server 0.00015; 1000 Genomes Project 30x 0.00016; TOPMed 0.00016; 1000 Genomes Project 0.00020; gnomAD 0.00023.
gnomAD v4.1: 531 of 1,614,188 alleles (0.033%); highest among the groups gnomAD compares: South Asian, 0.099%; 3 homozygotes.

Submissions (7):

Labcorp Genetics (formerly Invitae), Labcorp
Classification: Likely benign for Primary ciliary dyskinesia. Last evaluated: 2026-01-15. Review status: criteria provided, single submitter. Criteria: Invitae Variant Classification Sherloc (09022015). Collection method: clinical testing. Allele origin: germline.

CeGaT Center for Human Genetics Tuebingen
Classification: Likely benign. Last evaluated: 2025-03-01. Review status: criteria provided, single submitter. Criteria: CeGaT Center For Human Genetics Tuebingen Variant Classification Criteria Version 2. Collection method: clinical testing. Allele origin: germline. Affected: yes. Observed: 1 variant allele.
Comment: DNAH5: BP4, BP7

Blueprint Genetics
Classification: Likely benign. Last evaluated: 2024-10-30. Review status: criteria provided, single submitter. Criteria: ACMG Guidelines, 2015. Collection method: clinical testing. Allele origin: germline.

Ambry Genetics
Classification: Likely benign for Primary ciliary dyskinesia. Last evaluated: 2019-09-11. Review status: criteria provided, single submitter. Criteria: Ambry Variant Classification Scheme 2023. Collection method: clinical testing. Allele origin: germline.

Illumina Laboratory Services, Illumina
Classification: Uncertain significance for Primary ciliary dyskinesia 3. Last evaluated: 2018-01-12. Review status: criteria provided, single submitter. Criteria: ICSL Variant Classification Criteria 13 December 2019. Collection method: clinical testing. Allele origin: germline.

Natera, Inc.
Classification: Uncertain significance for Primary ciliary dyskinesia. Last evaluated: 2020-01-24. Review status: no assertion criteria provided. Collection method: clinical testing. Allele origin: germline. Not counted in ClinVar's aggregate classification.

PreventionGenetics, part of Exact Sciences
Classification: Likely benign for DNAH5-related condition. Last evaluated: 2019-05-28. Review status: no assertion criteria provided. Collection method: clinical testing. Allele origin: germline. Not counted in ClinVar's aggregate classification.
Comment: This variant is classified as likely benign based on ACMG/AMP sequence variant interpretation guidelines (Richards et al. 2015 PMID: 25741868, with internal and published modifications).

NM_001369.3(DNAH5):c.10066T>C (p.Leu3356=)

Gene: DNAH5 (dynein axonemal heavy chain 5; minus strand). Cytogenetic location: 5p15.2.
Variant type: single nucleotide variant.
Coding change: c.10066T>C on transcript NM_001369.3 (MANE Select); coding-DNA position 10066, T replaced by C.
Protein change: p.Leu3356=; no amino-acid change (leucine 3356 retained).
Molecular consequence: synonymous variant.
Genome position (GRCh38, 1-based): chr5:13,766,011, A>G on the plus strand (T>C on the coding strand, the complement: DNAH5 is on the minus strand). VCF-style: chr5-13766011-A-G. GRCh37 (hg19) VCF-style: chr5-13766120-A-G.
Identifiers: ClinVar variation 351047 (VCV000351047.38), dbSNP rs138441172, ClinGen allele CA3202341.